The following is an entry in ClinVar:

NC_000005.9:g.(?_13793604)_(13794187_?)del

Gene: DNAH5 (dynein axonemal heavy chain 5; minus strand). Cytogenetic location: 5p15.2.
Variant type: Deletion.
Identifiers: ClinVar variation 3246261 (VCV003246261.1).

ClinVar aggregate classification (germline): Pathogenic (1 of 4 stars; one submission).

Conditions:
Primary ciliary dyskinesia. Also called: Ciliary dyskinesia. Identifiers: Orphanet 244, MedGen C0008780, MONDO:0016575, HP:0012265.

Submission:

Labcorp Genetics (formerly Invitae), Labcorp
Classification: Pathogenic for Primary ciliary dyskinesia. Last evaluated: 2023-05-11. Review status: criteria provided, single submitter. Criteria: Invitae Variant Classification Sherloc (09022015). Collection method: clinical testing. Allele origin: unknown.
Comment: This variant has not been reported in the literature in individuals affected with DNAH5-related conditions. This variant is a gross deletion of the genomic region encompassing exon(s) 48-49 of the DNAH5 gene. This deletion is out-of-frame, and is expected to create a premature termination codon and result in an absent or disrupted protein product. Loss-of-function variants in DNAH5 are known to be pathogenic (PMID: 11788826, 16627867). For these reasons, this variant has been classified as Pathogenic.

Literature cited by the submitters: PubMed 11788826; PubMed 16627867.